The following is an entry in ClinVar:

NM_001035.3(RYR2):c.10743A>T (p.Arg3581Ser)

Gene: RYR2 (ryanodine receptor 2; plus strand). Cytogenetic location: 1q43.
Variant type: single nucleotide variant.
Coding change: c.10743A>T on transcript NM_001035.3 (MANE Select); coding-DNA position 10743, A replaced by T.
Protein change: p.Arg3581Ser; replaces arginine 3581 with serine.
Molecular consequence: missense variant.
Genome position (GRCh38, 1-based): chr1:237,727,104, A>T. VCF-style: chr1-237727104-A-T. GRCh37 (hg19) VCF-style: chr1-237890404-A-T.
Other names: short protein forms R3581S.
Identifiers: ClinVar variation 4795445 (VCV004795445.1).
Genomic context (GRCh38, chr1:237,727,104, plus strand): 5'-GTAGTTTGGGGTGTAAATATTTATTTGTGTCATTCTACCTCAGGTGGAACATCCTCAGAG[A>T]TCTAAAAAGGCTGTATGGCATAAACTACTGTCCAAGCAGAGGAAAAGGGCTGTTGTAGCC-3'
Protein context (NP_001026.2, residues 3571-3591): RHYCLVEHPQ[Arg3581Ser]SKKAVWHKLL

ClinVar aggregate classification (germline): Uncertain significance (1 of 4 stars; one submission).

Submission:

GeneDx
Classification: Uncertain significance. Last evaluated: 2025-08-14. Review status: criteria provided, single submitter. Criteria: GeneDx Variant Classification Process June 2021. Collection method: clinical testing. Allele origin: germline. Affected: yes.
Comment: Not observed at significant frequency in large population cohorts (gnomAD); In silico analysis supports that this missense variant has a deleterious effect on protein structure/function; Has not been previously published as pathogenic or benign to our knowledge; Not located in one of the three hot-spot regions of the RYR2 gene, where the majority of pathogenic missense variants occur (PMID: 19926015); This variant is associated with the following publications: (PMID: 19926015)